The following is an entry in ClinVar:

ClinVar aggregate classification (germline): Uncertain significance (1 of 4 stars; one submission).

Conditions:
ALMS1-related disorder. Also called: ALMS1-related condition.

Submission:

PreventionGenetics, part of Exact Sciences
Classification: Uncertain significance for ALMS1-related condition. Last evaluated: 2025-05-07. Review status: criteria provided, single submitter. Criteria: ACMG Guidelines, 2015. Collection method: clinical testing. Allele origin: germline.
Comment: The ALMS1 c.1564G>T variant is predicted to result in the amino acid substitution p.Val522Leu. To our knowledge, this variant has not been reported in the literature or in a large population database (gnomAD), indicating this variant is rare. At this time, the clinical significance of this variant is uncertain due to the absence of conclusive functional and genetic evidence.

NM_001378454.1(ALMS1):c.1561G>T (p.Ala521Ser)

Gene: ALMS1 (ALMS1 centrosome and basal body associated protein; plus strand). Cytogenetic location: 2p13.1.
Variant type: single nucleotide variant.
Coding change: c.1561G>T on transcript NM_001378454.1 (MANE Select); coding-DNA position 1561, G replaced by T.
Protein change: p.Ala521Ser; replaces alanine 521 with serine.
Molecular consequence: missense variant.
Genome position (GRCh38, 1-based): chr2:73,448,088, G>T. VCF-style: chr2-73448088-G-T. GRCh37 (hg19) VCF-style: chr2-73675218-G-T.
Other names: c.1564G>T, p.Ala522Ser (NM_015120.4); short protein forms A522S, A521S.
Identifiers: ClinVar variation 5002229 (VCV005002229.1).